The following is an entry in ClinVar:

NM_001844.5(COL2A1):c.2806G>A (p.Gly936Ser)

Gene: COL2A1 (collagen type II alpha 1 chain; minus strand). Cytogenetic location: 12q13.11.
Variant type: single nucleotide variant.
Coding change: c.2806G>A on transcript NM_001844.5 (MANE Select); coding-DNA position 2806, G replaced by A.
Protein change: p.Gly936Ser; replaces glycine 936 with serine.
Molecular consequence: missense variant.
Genome position (GRCh38, 1-based): chr12:47,978,686, C>T on the plus strand (G>A on the coding strand, the complement: COL2A1 is on the minus strand). VCF-style: chr12-47978686-C-T. GRCh37 (hg19) VCF-style: chr12-48372469-C-T.
Other names: c.2599G>A, p.Gly867Ser (NM_033150.3); short protein forms G867S, G936S.
Identifiers: ClinVar variation 1066127 (VCV001066127.10), dbSNP rs777615798, ClinGen allele CA6534978.

ClinVar aggregate classification (germline): Conflicting classifications of pathogenicity. Review status: criteria provided, conflicting classifications (1 of 4 stars). 2 submissions from 2 submitters: Likely pathogenic (1); Uncertain significance (1). Last evaluated 2025-10-09.

Conditions:
Stickler syndrome type 1 (STL1). Also called: STICKLER SYNDROME, MEMBRANOUS VITREOUS TYPE; STICKLER SYNDROME, VITREOUS TYPE 1; ARTHROOPHTHALMOPATHY, HEREDITARY PROGRESSIVE; COL2A1-Related Stickler Syndrome. Identifiers: Orphanet 828, Orphanet 90653, MedGen C2020284, MONDO:0007160, OMIM 108300.

Allele frequency attached by ClinVar (database versions not stated): gnomAD exomes below 0.00001 and 0.00001; ExAC 0.00001.
gnomAD v4.1: 3 of 1,613,244 alleles (0.00019%); highest among the groups gnomAD compares: South Asian, 0.0011%; no homozygotes.

Submissions (2):

Labcorp Genetics (formerly Invitae), Labcorp
Classification: Likely pathogenic. Last evaluated: 2025-10-09. Review status: criteria provided, single submitter. Criteria: Invitae Variant Classification Sherloc (09022015). Collection method: clinical testing. Allele origin: germline.
Comment: This sequence change replaces glycine, which is neutral and non-polar, with serine, which is neutral and polar, at codon 936 of the COL2A1 protein (p.Gly936Ser). This variant is present in population databases (rs777615798, gnomAD 0.0009%). This missense change has been observed in individual(s) with clinical features of autosomal dominant COL2A1-related conditions (PMID: 32510848, 38702915; internal data). This variant has been reported in individual(s) with autosomal recessive spondyloepiphyseal dysplasia congenita (PMID: 36400164); however, the role of the variant in this condition is currently unclear. ClinVar contains an entry for this variant (Variation ID: 1066127). Invitae Evidence Modeling of protein sequence and biophysical properties (such as structural, functional, and spatial information, amino acid conservation, physicochemical variation, residue mobility, and thermodynamic stability) indicates that this missense variant is expected to disrupt COL2A1 protein function with a positive predictive value of 95%. This variant disrupts the triple helix domain of COL2A1. Glycine residues within the Gly-Xaa-Yaa repeats of the triple helix domain are required for the structure and stability of fibrillar collagens (PMID: 7695699, 8218237, 19344236). In COL2A1, variants affecting these glycine residues are significantly enriched in individuals with disease (PMID: 9016532, 17078022) compared to the general population (ExAC). This variant disrupts the p.Gly936 amino acid residue in COL2A1. Other variant(s) that disrupt this residue have been observed in individuals with COL2A1-related conditions (PMID: 15895462, 34529350; internal data), which suggests that this may be a clinically significant amino acid residue. In summary, the currently available evidence indicates that the variant is pathogenic, but additional data are needed to prove that conclusively. Therefore, this variant has been classified as Likely Pathogenic.

Center of Medical Genetics, Central South University
Classification: Uncertain significance for Stickler syndrome type 1. Last evaluated: 2022-07-01. Review status: criteria provided, single submitter. Criteria: ACMG Guidelines, 2015. Collection method: research. Allele origin: unknown. Affected: yes. Observed: 2 variant alleles.

Literature cited by the submitters: PubMed 32510848 (cited by Labcorp Genetics (formerly Invitae), Labcorp); PubMed 38702915 (cited by Labcorp Genetics (formerly Invitae), Labcorp); PubMed 36400164 (cited by Labcorp Genetics (formerly Invitae), Labcorp); PubMed 7695699 (cited by Labcorp Genetics (formerly Invitae), Labcorp); PubMed 8218237 (cited by Labcorp Genetics (formerly Invitae), Labcorp); PubMed 19344236 (cited by Labcorp Genetics (formerly Invitae), Labcorp); PubMed 9016532 (cited by Labcorp Genetics (formerly Invitae), Labcorp); PubMed 17078022 (cited by Labcorp Genetics (formerly Invitae), Labcorp); PubMed 15895462 (cited by Labcorp Genetics (formerly Invitae), Labcorp); PubMed 34529350 (cited by Labcorp Genetics (formerly Invitae), Labcorp).